The following is an entry in ClinVar:

ClinVar aggregate classification (germline): Pathogenic/Likely pathogenic. Review status: criteria provided, multiple submitters, no conflicts (2 of 4 stars). 2 submissions from 2 submitters: Pathogenic (1); Likely pathogenic (1). Last evaluated 2024-10-18.

Conditions:
Hydrocephalus, nonsyndromic, autosomal recessive 1 (HYC1). Also called: Hydrocephalus, nonsyndromic, autosomal recessive; Congenital hydrocephalus 1. Identifiers: Orphanet 2185, MedGen C3887608, MONDO:0009360, OMIM 236600.

gnomAD v4.1: 11 of 1,610,454 alleles (0.00068%); highest among the groups gnomAD compares: East Asian, 0.0022%; no homozygotes.

Submissions (2):

Myriad Genetics, Inc.
Classification: Pathogenic for Hydrocephalus, nonsyndromic, autosomal recessive 1. Last evaluated: 2024-10-18. Review status: criteria provided, single submitter. Criteria: Myriad Autosomal Dominant, Autosomal Recessive and X-Linked Classification Criteria (2023). Collection method: clinical testing. Allele origin: unknown.
Comment: NM_001080414.3(CCDC88C):c.1915C>T(R639*) is expected to be pathogenic in the context of congenital hydrocephalus, CCDC88C-related. This variant is predicted to lead to an abnormal or absent protein product due to the creation of a premature termination codon in CCDC88C, a gene where loss-of-function variants are known to be pathogenic. Please note: this variant was assessed in the context of healthy population screening.

Juno Genomics, Hangzhou Juno Genomics, Inc
Classification: Likely pathogenic for Hydrocephalus, nonsyndromic, autosomal recessive 1. Review status: criteria provided, single submitter. Criteria: ACMG Guidelines, 2015. Collection method: clinical testing. Allele origin: germline.
Comment: Null variant in a gene where loss of function (LOF) is a known mechanism of disease.;Absent from controls (or at extremely low frequency if recessive) in Genome Aggregation Database.

NM_001080414.4(CCDC88C):c.1915C>T (p.Arg639Ter)

Gene: CCDC88C (coiled-coil and HOOK domain protein 88C; minus strand). Cytogenetic location: 14q32.11.
Variant type: single nucleotide variant.
Coding change: c.1915C>T on transcript NM_001080414.4 (MANE Select); coding-DNA position 1915, C replaced by T.
Protein change: p.Arg639Ter; replaces arginine 639 with a stop codon.
Molecular consequence: nonsense. On other transcripts: non-coding transcript variant (2).
Genome position (GRCh38, 1-based): chr14:91,313,901, G>A on the plus strand (C>T on the coding strand, the complement: CCDC88C is on the minus strand). VCF-style: chr14-91313901-G-A. GRCh37 (hg19) VCF-style: chr14-91780245-G-A.
Other names: short protein forms R639*.
Identifiers: ClinVar variation 5005358 (VCV005005358.3).